The following is an entry in ClinVar:

NM_000182.5(HADHA):c.1586dup (p.Leu530fs)

Genes: GAREM2 (GRB2 associated regulator of MAPK1 subtype 2; plus strand), HADHA (hydroxyacyl-CoA dehydrogenase trifunctional multienzyme complex subunit alpha; minus strand). Cytogenetic location: 2p23.3.
Variant type: Duplication.
Coding change: c.1586dup on transcript NM_000182.5 (MANE Select); coding-DNA position 1586, one base duplicated (G; older notation c.1586dupG).
Protein change: p.Leu530fs; shifts the reading frame from leucine 530.
Molecular consequence: frameshift variant.
Genome position (GRCh38, 1-based): chr2:26,195,126, C duplicated on the plus strand (G on the coding strand, the reverse complement: HADHA is on the minus strand); the first of 2 consecutive C bases (chr2:26,195,126-26,195,127); duplicating either gives the same sequence. VCF-style (leftmost placement, unchanged base first): chr2-26195125-A-AC. GRCh37 (hg19) VCF-style: chr2-26417994-A-AC.
Other names: short protein forms L530fs.
Identifiers: ClinVar variation 4784257 (VCV004784257.1).

ClinVar aggregate classification (germline): Pathogenic (1 of 4 stars; one submission).

Conditions:
Mitochondrial trifunctional protein deficiency. Identifiers: Orphanet 746, MedGen C1969443, MONDO:0012172.
Long chain 3-hydroxyacyl-CoA dehydrogenase deficiency. Also called: Deficiency of long-chain 3-hydroxyacyl-coenzyme A dehydrogenase; LCHAD Deficiency. Identifiers: Orphanet 5, MedGen C3711645, MONDO:0012173, OMIM 609016.

Submission:

Labcorp Genetics (formerly Invitae), Labcorp
Classification: Pathogenic for Mitochondrial trifunctional protein deficiency; Long chain 3-hydroxyacyl-CoA dehydrogenase deficiency. Last evaluated: 2025-02-23. Review status: criteria provided, single submitter. Criteria: Invitae Variant Classification Sherloc (09022015). Collection method: clinical testing. Allele origin: germline.
Comment: This sequence change creates a premature translational stop signal (p.Leu530Serfs*11) in the HADHA gene. It is expected to result in an absent or disrupted protein product. Loss-of-function variants in HADHA are known to be pathogenic (PMID: 7738175, 21103935, 21549624, 22459206). This variant is not present in population databases (gnomAD no frequency). This variant has not been reported in the literature in individuals affected with HADHA-related conditions. For these reasons, this variant has been classified as Pathogenic.

Literature cited by the submitters: PubMed 7738175; PubMed 21103935; PubMed 21549624; PubMed 22459206.